The following is an entry in ClinVar:

ClinVar aggregate classification (germline): Uncertain significance. Review status: criteria provided, multiple submitters, no conflicts (2 of 4 stars). 2 submissions from 2 submitters: Uncertain significance (2). Last evaluated 2025-10-29.

Conditions:
Immunodeficiency. Identifiers: MedGen C0021051, MONDO:0021094, HP:0002721.

Allele frequency attached by ClinVar (database versions not stated): gnomAD exomes 0.00004 and 0.00008; ExAC 0.00005; gnomAD 0.00005 and 0.00006; TOPMed 0.00005.
gnomAD v4.1: 132 of 1,614,078 alleles (0.0082%); highest among the groups gnomAD compares: Non-Finnish European, 0.01%; no homozygotes.

Submissions (2):

Labcorp Genetics (formerly Invitae), Labcorp
Classification: Uncertain significance for Immunodeficiency. Last evaluated: 2025-10-29. Review status: criteria provided, single submitter. Criteria: Invitae Variant Classification Sherloc (09022015). Collection method: clinical testing. Allele origin: germline.
Comment: This sequence change replaces threonine, which is neutral and polar, with alanine, which is neutral and non-polar, at codon 1078 of the NFAT5 protein (p.Thr1078Ala). This variant is present in population databases (rs546177959, gnomAD 0.006%). This variant has not been reported in the literature in individuals affected with NFAT5-related conditions. ClinVar contains an entry for this variant (Variation ID: 1025290). An algorithm developed to predict the effect of missense changes on protein structure and function outputs the following: PolyPhen-2: "Benign". The alanine amino acid residue is found in multiple mammalian species, which suggests that this missense change does not adversely affect protein function. In summary, the available evidence is currently insufficient to determine the role of this variant in disease. Therefore, it has been classified as a Variant of Uncertain Significance.

Ambry Genetics
Classification: Uncertain significance. Last evaluated: 2023-12-26. Review status: criteria provided, single submitter. Criteria: Ambry Variant Classification Scheme 2023. Collection method: clinical testing. Allele origin: germline.

NM_138713.4(NFAT5):c.3514A>G (p.Thr1172Ala)

Gene: NFAT5 (nuclear factor of activated T cells 5; plus strand). Cytogenetic location: 16q22.1.
Variant type: single nucleotide variant.
Coding change: c.3514A>G on transcript NM_138713.4 (MANE Select); coding-DNA position 3514, A replaced by G.
Protein change: p.Thr1172Ala; replaces threonine 1172 with alanine.
Molecular consequence: missense variant.
Genome position (GRCh38, 1-based): chr16:69,693,339, A>G. VCF-style: chr16-69693339-A-G. GRCh37 (hg19) VCF-style: chr16-69727242-A-G.
Other names: c.3514A>G (NM_138713.3); c.3511A>G, p.Thr1171Ala (NM_001113178.3); c.2839A>G, p.Thr947Ala (NM_001367709.1); c.3460A>G, p.Thr1154Ala (NM_006599.4); c.3232A>G, p.Thr1078Ala (NM_138714.4, NM_173214.3, NM_173215.3); short protein forms T1078A, T1154A, T1171A, T1172A, T947A.
Identifiers: ClinVar variation 1025290 (VCV001025290.9), dbSNP rs546177959, ClinGen allele CA8135919.
Genomic context (GRCh38, chr16:69,693,339, plus strand): 5'-GACCAGCAGTCAACCAACATATTTCTTTCCCAGAGTCCCATGAATAATCTTCAGACTAAC[A>G]CAGTAGCCCAAGAAGCATTTTTTGCAGCACCGAACTCAATTTCTCCACTTCAGTCAACAT-3'
Protein context (NP_619727.2, residues 1162-1182): QSPMNNLQTN[Thr1172Ala]VAQEAFFAAP